The following is an entry in ClinVar:

ClinVar aggregate classification (germline): Uncertain significance (1 of 4 stars; one submission).

Conditions:
Cardiomyopathy (CMYO). Also called: Cardiomyopathies. Identifiers: Orphanet 167848, MedGen C0878544, MONDO:0004994, HP:0001638. Inheritance: Various modes of inheritance.

Submission:

Color Diagnostics, LLC DBA Color Health
Classification: Uncertain significance for Cardiomyopathy. Last evaluated: 2024-03-06. Review status: criteria provided, single submitter. Criteria: ACMG Guidelines, 2015. Collection method: clinical testing. Allele origin: germline.
Comment: This missense variant replaces serine with alanine at codon 2683 of the RYR2 protein. Computational prediction suggests that this variant may not impact protein structure and function (internally defined REVEL score threshold <= 0.5, PMID: 27666373). To our knowledge, functional studies have not been reported for this variant. This variant has not been reported in individuals affected with cardiovascular disorders in the literature. This variant has not been identified in the general population by the Genome Aggregation Database (gnomAD). The available evidence is insufficient to determine the role of this variant in disease conclusively. Therefore, this variant is classified as a Variant of Uncertain Significance.

NM_001035.3(RYR2):c.8047T>G (p.Ser2683Ala)

Gene: RYR2 (ryanodine receptor 2; plus strand). Cytogenetic location: 1q43.
Variant type: single nucleotide variant.
Coding change: c.8047T>G on transcript NM_001035.3 (MANE Select); coding-DNA position 8047, T replaced by G.
Protein change: p.Ser2683Ala; replaces serine 2683 with alanine.
Molecular consequence: missense variant.
Genome position (GRCh38, 1-based): chr1:237,655,902, T>G. VCF-style: chr1-237655902-T-G. GRCh37 (hg19) VCF-style: chr1-237819202-T-G.
Other names: short protein forms S2683A.
Identifiers: ClinVar variation 1332513 (VCV001332513.3), dbSNP rs2148823483, ClinGen allele CA345400901.